The following is an entry in ClinVar:

NM_000252.3(MTM1):c.-10-3115_-10-1176delinsCA

Gene: MTM1 (myotubularin 1; plus strand). Cytogenetic location: Xq28.
Variant type: Indel.
Coding change: c.-10-3115_-10-1176delinsCA on transcript NM_000252.3 (MANE Select); 3115 bases into the intron before 10 bases upstream of the start codon through 1176 bases into the intron before 10 bases upstream of the start codon, the reference bases replaced by CA.
Molecular consequence: intron variant.
Genome position (GRCh38, 1-based): chrX:150,589,490-150,591,429, 1,940 bases replaced. GRCh37 (hg19): chrX:149,757,952-149,759,891.
Other names: c.-10-3115_-10-1176delinsCA (NM_001376908.1, NM_001376906.1, NM_001376907.1).
Identifiers: ClinVar variation 4851551 (VCV004851551.1).

ClinVar aggregate classification (germline): Uncertain significance (1 of 4 stars; one submission).

Conditions:
Severe X-linked myotubular myopathy (CNMX). Also called: MYOTUBULAR MYOPATHY 1; X-linked centronuclear myopathy; Myotubular myopathy, X-linked. Identifiers: Orphanet 596, MedGen C0410203, MONDO:0010683, OMIM 310400.

Submission:

Laboratory Cellgenetics, GMDL Cellgenetics
Classification: Uncertain significance for Severe X-linked myotubular myopathy. Last evaluated: 2023-07-25. Review status: criteria provided, single submitter. Criteria: ACMG Guidelines, 2015. Collection method: clinical testing. Allele origin: unknown. Inheritance: X-linked recessive inheritance. Affected: yes. Observed: 1 variant allele, 1 hemizygote.
Comment: PM2